The following is an entry in ClinVar:

NM_000051.4(ATM):c.5278del (p.Met1760fs)

Gene: ATM (ATM serine/threonine kinase; plus strand). Cytogenetic location: 11q22.3.
Variant type: Deletion.
Coding change: c.5278del on transcript NM_000051.4 (MANE Select); coding-DNA position 5278, one base deleted (A; older notation c.5278delA).
Protein change: p.Met1760fs; shifts the reading frame from methionine 1760.
Molecular consequence: frameshift variant.
Genome position (GRCh38, 1-based): chr11:108,301,748, A deleted; the last of 2 consecutive A bases (chr11:108,301,747-108,301,748); deleting either gives the same sequence. VCF-style (leftmost placement, unchanged base first): chr11-108301746-CA-C. GRCh37 (hg19) VCF-style: chr11-108172473-CA-C.
Other names: c.5278del, p.Met1760fs (NM_001351834.2); short protein forms M1760fs.
Identifiers: ClinVar variation 5032324 (VCV005032324.1).
Genomic context (GRCh38, chr11:108,301,746, plus strand): 5'-ACATTTTAGCCACAAAGACTGGACATAGTTTCTGGGAGATTTATAAGATGACAACAGATC[CA>C]ATGCTGGCCTATCTACAGCCTTTTAGAACATCAAGAAAAAAGGTCTCTTAAGTAATAAAT-3'

ClinVar aggregate classification (germline): Pathogenic (1 of 4 stars; one submission).

Conditions:
Hereditary cancer-predisposing syndrome. Also called: Neoplastic Syndromes, Hereditary; Tumor predisposition; Hereditary neoplastic syndrome; Hereditary Cancer Syndrome. Identifiers: Orphanet 140162, MedGen C0027672, MeSH D009386, MONDO:0015356.

Submission:

Ambry Genetics
Classification: Pathogenic for Hereditary cancer-predisposing syndrome. Last evaluated: 2026-09-01. Review status: criteria provided, single submitter. Criteria: Ambry Variant Classification Scheme 2023. Collection method: clinical testing. Allele origin: germline.
Comment: The c.5278delA pathogenic mutation, located in coding exon 34 of the ATM gene, results from a deletion of one nucleotide at nucleotide position 5278, causing a translational frameshift with a predicted alternate stop codon (p.M1760Cfs*16). This variant is considered to be rare based on population cohorts in the Genome Aggregation Database (gnomAD). This alteration is expected to result in loss of function by premature protein truncation or nonsense-mediated mRNA decay. As such, this alteration is interpreted as a disease-causing mutation.